The following is an entry in ClinVar:

ClinVar aggregate classification (germline): Uncertain significance (1 of 4 stars; one submission).

Conditions:
Hereditary cancer-predisposing syndrome. Also called: Neoplastic Syndromes, Hereditary; Hereditary Cancer Syndrome; Tumor predisposition; Hereditary neoplastic syndrome. Identifiers: Orphanet 140162, MedGen C0027672, MeSH D009386, MONDO:0015356.

Submission:

Ambry Genetics
Classification: Uncertain significance for Hereditary cancer-predisposing syndrome. Last evaluated: 2022-12-23. Review status: criteria provided, single submitter. Criteria: Ambry Variant Classification Scheme 2023. Collection method: clinical testing. Allele origin: germline.
Comment: The p.Y271C variant (also known as c.812A>G), located in coding exon 7 of the TSC1 gene, results from an A to G substitution at nucleotide position 812. The tyrosine at codon 271 is replaced by cysteine, an amino acid with highly dissimilar properties. This amino acid position is conserved. In addition, this alteration is predicted to be tolerated by in silico analysis. Since supporting evidence is limited at this time, the clinical significance of this alteration remains unclear.

NM_000368.5(TSC1):c.812A>G (p.Tyr271Cys)

Gene: TSC1 (TSC complex subunit 1; minus strand). Cytogenetic location: 9q34.13.
Variant type: single nucleotide variant.
Coding change: c.812A>G on transcript NM_000368.5 (MANE Select); coding-DNA position 812, A replaced by G.
Protein change: p.Tyr271Cys; replaces tyrosine 271 with cysteine.
Molecular consequence: missense variant. On other transcripts: 5 prime UTR variant (5), non-coding transcript variant (5).
Genome position (GRCh38, 1-based): chr9:132,912,383, T>C on the plus strand (A>G on the coding strand, the complement: TSC1 is on the minus strand). VCF-style: chr9-132912383-T-C. GRCh37 (hg19) VCF-style: chr9-135787770-T-C.
Other names: c.812A>G, p.Tyr271Cys (NM_001162426.2, NM_001406592.1, NM_001406593.1 and 16 more transcripts); c.659A>G, p.Tyr220Cys (NM_001162427.2, NM_001406610.1, NM_001406611.1 and 2 more transcripts); c.449A>G, p.Tyr150Cys (NM_001362177.2, NM_001406614.1, NM_001406615.1 and 10 more transcripts); c.-140A>G (NM_001406626.1, NM_001406627.1, NM_001406628.1); c.-282A>G (NM_001406629.1, NM_001406630.1); short protein forms Y220C, Y271C, Y150C.
Identifiers: ClinVar variation 2447878 (VCV002447878.2), dbSNP rs2538893356, ClinGen allele CA375369429.